The following is an entry in ClinVar:

NM_003859.3(DPM1):c.495-281dup

Genes: ADNP-AS1 (ADNP antisense RNA 1; plus strand), DPM1 (dolichyl-phosphate mannosyltransferase subunit 1, catalytic; minus strand). Cytogenetic location: 20q13.13.
Variant type: Duplication.
Coding change: c.495-281dup on transcript NM_003859.3 (MANE Select); 281 bases into the intron before coding-DNA position 495, one base duplicated (T; older notation c.495-281dupT).
Molecular consequence: intron variant.
Genome position (GRCh38, 1-based): chr20:50,941,214, A duplicated on the plus strand (T on the coding strand, the reverse complement: DPM1 is on the minus strand); the first of 10 consecutive A bases (chr20:50,941,214-50,941,223); duplicating any one gives the same sequence. VCF-style (leftmost placement, unchanged base first): chr20-50941213-C-CA. GRCh37 (hg19) VCF-style: chr20-49557750-C-CA.
Other names: c.495-5dup (NM_001317034.1, NM_001317035.1); c.494+817dup (NM_001317036.1).
Identifiers: ClinVar variation 4280846 (VCV004280846.8).

ClinVar aggregate classification (germline): Likely benign. Review status: criteria provided, multiple submitters, no conflicts (2 of 4 stars). 2 submissions from 2 submitters: Likely benign (2). Last evaluated 2025-09-01.

Submissions (2):

CeGaT Center for Human Genetics Tuebingen
Classification: Likely benign. Last evaluated: 2025-09-01. Review status: criteria provided, single submitter. Criteria: CeGaT Center For Human Genetics Tuebingen Variant Classification Criteria Version 2. Collection method: clinical testing. Allele origin: germline. Affected: yes. Observed: 1 variant allele.
Comment: DPM1: BP4, BS1

Blueprint Genetics
Classification: Likely benign. Last evaluated: 2024-08-08. Review status: criteria provided, single submitter. Criteria: ACMG Guidelines, 2015. Collection method: clinical testing. Allele origin: germline.